The following is an entry in ClinVar:

NM_003900.5(SQSTM1):c.421A>C (p.Lys141Gln)

Gene: SQSTM1 (sequestosome 1; plus strand). Cytogenetic location: 5q35.3.
Variant type: single nucleotide variant.
Coding change: c.421A>C on transcript NM_003900.5 (MANE Select); coding-DNA position 421, A replaced by C.
Protein change: p.Lys141Gln; replaces lysine 141 with glutamine.
Molecular consequence: missense variant.
Genome position (GRCh38, 1-based): chr5:179,823,977, A>C. VCF-style: chr5-179823977-A-C. GRCh37 (hg19) VCF-style: chr5-179250977-A-C.
Other names: c.169A>C, p.Lys57Gln (NM_001142298.2, NM_001142299.2); short protein forms K141Q, K57Q.
Identifiers: ClinVar variation 4791343 (VCV004791343.1).

ClinVar aggregate classification (germline): Uncertain significance (1 of 4 stars; one submission).

Conditions:
Frontotemporal dementia and/or amyotrophic lateral sclerosis 1 (FTDALS1). Also called: C9orf72 Frontotemporal Dementia and/or Amyotrophic Lateral Sclerosis; Frontotemporal dementia with motor neuron disease 1. Identifiers: Orphanet 275872, MedGen C5779877, MONDO:0007105, OMIM 105550.
Paget disease of bone 2, early-onset (PDB2). Also called: Paget disease of bone 2. Identifiers: MedGen C4085251, MONDO:0011183, OMIM 602080.

gnomAD v4.1: 3 of 1,613,896 alleles (0.00019%); highest among the groups gnomAD compares: African/African-American, 0.004%; no homozygotes.

Submission:

Labcorp Genetics (formerly Invitae), Labcorp
Classification: Uncertain significance for Paget disease of bone 2, early-onset; Frontotemporal dementia and/or amyotrophic lateral sclerosis 1. Last evaluated: 2025-12-22. Review status: criteria provided, single submitter. Criteria: Invitae Variant Classification Sherloc (09022015). Collection method: clinical testing. Allele origin: germline.
Comment: This sequence change replaces lysine, which is basic and polar, with glutamine, which is neutral and polar, at codon 141 of the SQSTM1 protein (p.Lys141Gln). This variant is not present in population databases (gnomAD no frequency). This variant has not been reported in the literature in individuals affected with SQSTM1-related conditions. Invitae Evidence Modeling of protein sequence and biophysical properties (such as structural, functional, and spatial information, amino acid conservation, physicochemical variation, residue mobility, and thermodynamic stability) indicates that this missense variant is expected to disrupt SQSTM1 protein function with a positive predictive value of 80%. In summary, the available evidence is currently insufficient to determine the role of this variant in disease. Therefore, it has been classified as a Variant of Uncertain Significance.